The following is an entry in ClinVar:

NM_001723.7(DST):c.7817C>T (p.Pro2606Leu)

Gene: DST (dystonin; minus strand). Cytogenetic location: 6p12.1.
Variant type: single nucleotide variant.
Coding change: c.7817C>T on transcript NM_001723.7 (MANE Plus Clinical); coding-DNA position 7817, C replaced by T.
Protein change: p.Pro2606Leu; replaces proline 2606 with leucine.
Molecular consequence: missense variant. On other transcripts: intron variant (10).
Genome position (GRCh38, 1-based): chr6:56,615,650, G>A on the plus strand (C>T on the coding strand, the complement: DST is on the minus strand). VCF-style: chr6-56615650-G-A. GRCh37 (hg19) VCF-style: chr6-56480448-G-A.
Other names: c.4831-1166C>T (NM_001144769.5); c.4930-1166C>T (NM_001374722.1, NM_001374736.1); c.4957-1166C>T (NM_001374734.1); c.4417-1166C>T (NM_001144770.2); c.4297-1166C>T (NM_001374730.1, NM_001386100.1, NM_183380.4 and 1 more transcripts); c.3319-1166C>T (NM_015548.5); short protein forms P2606L.
Identifiers: ClinVar variation 1397665 (VCV001397665.6), dbSNP rs775259710, ClinGen allele CA3869894.
Genomic context (GRCh38, chr6:56,615,650, plus strand): 5'-TGGAAATCAAAATCAGCTTTTTCTAAGGCTTCTTTATATGTCAACTTTCTTTTTGTCTGA[G>A]GGCATATTATATTTCTGACATATGACTTTTGATCTTTGAGTTTTGTGGCAATGAGGACAT-3'
Protein context (NP_001714.1, residues 2596-2616): QKSYVRNIIC[Pro2606Leu]QTKRKLTYKE

ClinVar aggregate classification (germline): Uncertain significance (1 of 4 stars; one submission).

Conditions:
Hereditary sensory and autonomic neuropathy type 6. Also called: Neuropathy, hereditary sensory and autonomic, type VI; HSAN VI. Identifiers: Orphanet 314381, MedGen C3539003, MONDO:0013839, OMIM 614653.
Epidermolysis bullosa simplex 3, localized or generalized intermediate, with BP230 deficiency (EBS3). Also called: Epidermolysis bullosa simplex due to BP230 deficiency; Epidermolysis bullosa simplex, autosomal recessive 2. Identifiers: Orphanet 412181, MedGen C3809470, MONDO:0014180, OMIM 615425.

Allele frequency attached by ClinVar (database versions not stated): TOPMed below 0.00001; ExAC 0.00001; gnomAD 0.00001; gnomAD exomes 0.00001.
gnomAD v4.1: 12 of 1,613,948 alleles (0.00074%); highest among the groups gnomAD compares: Admixed American, 0.0033%; no homozygotes.

Submission:

Labcorp Genetics (formerly Invitae), Labcorp
Classification: Uncertain significance for Epidermolysis bullosa simplex 3, localized or generalized intermediate, with BP230 deficiency; Hereditary sensory and autonomic neuropathy type 6. Last evaluated: 2021-12-17. Review status: criteria provided, single submitter. Criteria: Invitae Variant Classification Sherloc (09022015). Collection method: clinical testing. Allele origin: germline.
Comment: In summary, the available evidence is currently insufficient to determine the role of this variant in disease. Therefore, it has been classified as a Variant of Uncertain Significance. Algorithms developed to predict the effect of missense changes on protein structure and function are either unavailable or do not agree on the potential impact of this missense change (SIFT: "Tolerated"; PolyPhen-2: "Possibly Damaging"; Align-GVGD: "Class C0"). This variant has not been reported in the literature in individuals affected with DST-related conditions. This variant is present in population databases (rs775259710, gnomAD 0.003%). This sequence change replaces proline, which is neutral and non-polar, with leucine, which is neutral and non-polar, at codon 2606 of the DST protein (p.Pro2606Leu).